The following is an entry in ClinVar:

NM_000057.4(BLM):c.1579A>C (p.Ser527Arg)

Gene: BLM (BLM RecQ like helicase; plus strand). Cytogenetic location: 15q26.1.
Variant type: single nucleotide variant.
Coding change: c.1579A>C on transcript NM_000057.4 (MANE Select); coding-DNA position 1579, A replaced by C.
Protein change: p.Ser527Arg; replaces serine 527 with arginine.
Molecular consequence: missense variant.
Genome position (GRCh38, 1-based): chr15:90,760,952, A>C. VCF-style: chr15-90760952-A-C. GRCh37 (hg19) VCF-style: chr15-91304182-A-C.
Other names: c.1579A>C, p.Ser527Arg (NM_001287246.2, NM_001287247.2); c.454A>C, p.Ser152Arg (NM_001287248.2); short protein forms S152R, S527R.
Identifiers: ClinVar variation 1719854 (VCV001719854.9), dbSNP rs1895965964, ClinGen allele CA393843368.

ClinVar aggregate classification (germline): Uncertain significance. Review status: criteria provided, multiple submitters, no conflicts (2 of 4 stars). 2 submissions from 2 submitters: Uncertain significance (2). Last evaluated 2025-04-09.

Conditions:
Hereditary cancer-predisposing syndrome. Also called: Hereditary neoplastic syndrome; Neoplastic Syndromes, Hereditary; Hereditary Cancer Syndrome; Tumor predisposition. Identifiers: Orphanet 140162, MedGen C0027672, MeSH D009386, MONDO:0015356.
Bloom syndrome (BLM). Also called: Bloom-Torre-Machacek syndrome. Identifiers: Orphanet 125, MedGen C0005859, MONDO:0008876, OMIM 210900.

Allele frequency attached by ClinVar (database versions not stated): gnomAD exomes below 0.00001.
gnomAD v4.1: 2 of 1,614,138 alleles (0.00012%); highest among the groups gnomAD compares: Non-Finnish European, 0.00017%; no homozygotes.

Submissions (2):

Ambry Genetics
Classification: Uncertain significance for Hereditary cancer-predisposing syndrome. Last evaluated: 2025-04-09. Review status: criteria provided, single submitter. Criteria: Ambry Variant Classification Scheme 2023. Collection method: clinical testing. Allele origin: germline.
Comment: The p.S527R variant (also known as c.1579A>C), located in coding exon 6 of the BLM gene, results from an A to C substitution at nucleotide position 1579. The serine at codon 527 is replaced by arginine, an amino acid with dissimilar properties. This amino acid position is highly conserved in available vertebrate species. In addition, the in silico prediction for this alteration is inconclusive. Since supporting evidence is limited at this time, the clinical significance of this alteration remains unclear.

Labcorp Genetics (formerly Invitae), Labcorp
Classification: Uncertain significance for Bloom syndrome. Last evaluated: 2022-09-20. Review status: criteria provided, single submitter. Criteria: Invitae Variant Classification Sherloc (09022015). Collection method: clinical testing. Allele origin: germline.
Comment: This variant is not present in population databases (gnomAD no frequency). This sequence change replaces serine, which is neutral and polar, with arginine, which is basic and polar, at codon 527 of the BLM protein (p.Ser527Arg). This variant has not been reported in the literature in individuals affected with BLM-related conditions. In summary, the available evidence is currently insufficient to determine the role of this variant in disease. Therefore, it has been classified as a Variant of Uncertain Significance. Advanced modeling of protein sequence and biophysical properties (such as structural, functional, and spatial information, amino acid conservation, physicochemical variation, residue mobility, and thermodynamic stability) performed at Invitae indicates that this missense variant is not expected to disrupt BLM protein function.